The following is an entry in ClinVar:

ClinVar aggregate classification (germline): Likely benign. Review status: criteria provided, multiple submitters, no conflicts (2 of 4 stars). 4 submissions from 4 submitters: Likely benign (3). 1 of the submissions does not count toward it. Last evaluated 2025-11-05.

Conditions:
RASA2-related disorder. Also called: RASA2-related condition.

Allele frequency attached by ClinVar (database versions not stated): gnomAD 0.00001; TOPMed 0.00001.
gnomAD v4.1: 22 of 1,378,668 alleles (0.0016%); highest among the groups gnomAD compares: Non-Finnish European, 0.0017%; no homozygotes.

Submissions (4):

Labcorp Genetics (formerly Invitae), Labcorp
Classification: Likely benign. Last evaluated: 2025-11-05. Review status: criteria provided, single submitter. Criteria: Invitae Variant Classification Sherloc (09022015). Collection method: clinical testing. Allele origin: germline.

Blueprint Genetics
Classification: Likely benign. Last evaluated: 2023-11-30. Review status: criteria provided, single submitter. Criteria: ACMG Guidelines, 2015. Collection method: clinical testing. Allele origin: germline.

Ambry Genetics
Classification: Likely benign. Last evaluated: 2019-10-20. Review status: criteria provided, single submitter. Criteria: Ambry Variant Classification Scheme 2023. Collection method: clinical testing. Allele origin: germline.

PreventionGenetics, part of Exact Sciences
Classification: Likely benign for RASA2-related condition. Last evaluated: 2021-06-22. Review status: no assertion criteria provided. Collection method: clinical testing. Allele origin: germline. Not counted in ClinVar's aggregate classification.
Comment: This variant is classified as likely benign based on ACMG/AMP sequence variant interpretation guidelines (Richards et al. 2015 PMID: 25741868, with internal and published modifications).

NM_006506.5(RASA2):c.12G>A (p.Ala4=)

Genes: RASA2 (RAS p21 protein activator 2; plus strand), LOC129937686 (ATAC-STARR-seq lymphoblastoid silent region 14777; plus strand). Cytogenetic location: 3q23.
Variant type: single nucleotide variant.
Coding change: c.12G>A on transcript NM_006506.5 (MANE Select); coding-DNA position 12, G replaced by A.
Protein change: p.Ala4=; no amino-acid change (alanine 4 retained).
Molecular consequence: synonymous variant.
Genome position (GRCh38, 1-based): chr3:141,487,095, G>A. VCF-style: chr3-141487095-G-A. GRCh37 (hg19) VCF-style: chr3-141205937-G-A.
Other names: c.12G>A (NM_001303246.1); c.12G>A, p.Ala4= (NM_001303245.3, NM_001303246.3).
Identifiers: ClinVar variation 1769363 (VCV001769363.6), dbSNP rs1290038358, ClinGen allele CA435896683.
Genomic context (GRCh38, chr3:141,487,095, plus strand): 5'-TCGCCCGGCTACGCAGGCGGCAGGGCTGCGGCACGGGCCGGGCGGCACCATGGCGGCGGC[G>A]GCGCCTGCTGCTGCGGCGGCTTCTTCCGAGGCGCCAGCGGCGAGTGCGACTGCAGAGCCC-3'
Protein context (NP_006497.2, residues 1-14): MAA[Ala4=]APAAAAASSE